The following is an entry in ClinVar:

NM_000350.3(ABCA4):c.3032ACA[1] (p.Asn1012del)

Gene: ABCA4 (ATP binding cassette subfamily A member 4; minus strand). Cytogenetic location: 1p22.1.
Variant type: Microsatellite.
Coding change: c.3032ACA[1] on transcript NM_000350.3 (MANE Select); one copy of the 3-base unit ACA starting at c.3032; the reference has two copies in a row; one copy, 3 bases deleted.
Protein change: p.Asn1012del; deletes asparagine 1012.
Molecular consequence: inframe deletion. On other transcripts: inframe indel (1).
Genome position (GRCh38, 1-based): chr1:94,044,626-94,044,628, TGT deleted on the plus strand (ACA on the coding strand, the reverse complement: ABCA4 is on the minus strand); deleting any 3 consecutive bases within chr1:94,044,626-94,044,631 gives the same sequence; the position shown is the placement nearest the transcript's 3' end. VCF-style (leftmost placement, unchanged base first): chr1-94044625-ATGT-A. GRCh37 (hg19) VCF-style: chr1-94510181-ATGT-A.
Other names: c.2810_2812ACA[1], p.Asn938del (NM_001425324.1); short protein forms N1012del, N938del.
Identifiers: ClinVar variation 2910116 (VCV002910116.3), dbSNP rs768352839, ClinGen allele CA958075.

ClinVar aggregate classification (germline): Pathogenic (1 of 4 stars; one submission).

Submission:

Labcorp Genetics (formerly Invitae), Labcorp
Classification: Pathogenic. Last evaluated: 2023-10-08. Review status: criteria provided, single submitter. Criteria: Invitae Variant Classification Sherloc (09022015). Collection method: clinical testing. Allele origin: germline.
Comment: This variant, c.3035_3037del, results in the deletion of 1 amino acid(s) of the ABCA4 protein (p.Asn1012del), but otherwise preserves the integrity of the reading frame. This variant is present in population databases (rs768352839, gnomAD 0.006%). This variant has been observed in individual(s) with Stargardt disease (PMID: 29975949). This variant is also known as p.Asn1012Ile. For these reasons, this variant has been classified as Pathogenic.

Literature cited by the submitters: PubMed 29975949.